The following is an entry in ClinVar:

ClinVar aggregate classification (germline): Uncertain significance (1 of 4 stars; one submission).

Conditions:
Atypical hemolytic-uremic syndrome. Identifiers: Orphanet 2134, MedGen C2931788, MONDO:0016244.
Basal laminar drusen. Also called: DRUSEN OF BRUCH MEMBRANE; DRUSEN, CUTICULAR; DRUSEN, EARLY ADULT-ONSET, GROUPED. Identifiers: Orphanet 75376, MedGen C0730295, MONDO:0007472, OMIM 126700.
Factor H deficiency (CFHD). Also called: COMPLEMENT FACTOR H DEFICIENCY; CFH DEFICIENCY. Identifiers: Orphanet 200421, MedGen C0398777, MONDO:0012350, OMIM 609814.
Age related macular degeneration 4. Identifiers: MedGen C1853147, MONDO:0012540, OMIM 610698.

Submission:

Genomenon, Inc
Classification: Uncertain significance for Basal laminar drusen; Age related macular degeneration 4; Atypical hemolytic-uremic syndrome; Factor H deficiency. Last evaluated: 2025-10-02. Review status: criteria provided, single submitter. Criteria: Genomenon Sequence Variant Interpretation Standards - Updated. Collection method: curation. Allele origin: germline. Affected: no.
Comment: CFH p.Met665Thr (c.1994T>C) is a missense variant that changes the amino acid at residue 665 from Methionine to Threonine. This variant has been reported in the published literature (PMID:36211394). It is absent or not present at a significant frequency in gnomAD. In silico models agree that this variant is not damaging. In conclusion, we classify CFH p.Met665Thr (c.1994T>C) as a variant of uncertain significance.

Literature cited by the submitters: PubMed 36211394.

NM_000186.4(CFH):c.1994T>C (p.Met665Thr)

Gene: CFH (complement factor H; plus strand). Cytogenetic location: 1q31.3.
Variant type: single nucleotide variant.
Coding change: c.1994T>C on transcript NM_000186.4 (MANE Select); coding-DNA position 1994, T replaced by C.
Protein change: p.Met665Thr; replaces methionine 665 with threonine.
Molecular consequence: missense variant.
Genome position (GRCh38, 1-based): chr1:196,726,590, T>C. VCF-style: chr1-196726590-T-C. GRCh37 (hg19) VCF-style: chr1-196695720-T-C.
Other names: short protein forms M665T.
Identifiers: ClinVar variation 4291438 (VCV004291438.1).